The following is an entry in ClinVar:

ClinVar aggregate classification (germline): Uncertain significance (1 of 4 stars; one submission).

Allele frequency attached by ClinVar (database versions not stated): TOPMed below 0.00001; ExAC 0.00001; gnomAD 0.00001; gnomAD exomes 0.00001.
gnomAD v4.1: 13 of 1,614,014 alleles (0.00081%); highest among the groups gnomAD compares: Admixed American, 0.0033%; no homozygotes.

Submission:

Labcorp Genetics (formerly Invitae), Labcorp
Classification: Uncertain significance. Last evaluated: 2022-07-03. Review status: criteria provided, single submitter. Criteria: Invitae Variant Classification Sherloc (09022015). Collection method: clinical testing. Allele origin: germline.
Comment: This sequence change replaces glutamic acid, which is acidic and polar, with lysine, which is basic and polar, at codon 239 of the FKBP10 protein (p.Glu239Lys). This variant is present in population databases (rs782261801, gnomAD 0.003%). This variant has not been reported in the literature in individuals affected with FKBP10-related conditions. Algorithms developed to predict the effect of missense changes on protein structure and function are either unavailable or do not agree on the potential impact of this missense change (SIFT: "Deleterious"; PolyPhen-2: "Probably Damaging"; Align-GVGD: "Class C0"). In summary, the available evidence is currently insufficient to determine the role of this variant in disease. Therefore, it has been classified as a Variant of Uncertain Significance.

NM_021939.4(FKBP10):c.715G>A (p.Glu239Lys)

Gene: FKBP10 (FKBP prolyl isomerase 10; plus strand). Cytogenetic location: 17q21.2.
Variant type: single nucleotide variant.
Coding change: c.715G>A on transcript NM_021939.4 (MANE Select); coding-DNA position 715, G replaced by A.
Protein change: p.Glu239Lys; replaces glutamic acid 239 with lysine.
Molecular consequence: missense variant.
Genome position (GRCh38, 1-based): chr17:41,818,515, G>A. VCF-style: chr17-41818515-G-A. GRCh37 (hg19) VCF-style: chr17-39974767-G-A.
Other names: short protein forms E239K.
Identifiers: ClinVar variation 1939297 (VCV001939297.2), dbSNP rs782261801, ClinGen allele CA8566332.
Genomic context (GRCh38, chr17:41,818,515, plus strand): 5'-CTGGGCATGTGTCCTGGAGAGAGAAGGAAGATTATCATCCCTCCATTCCTGGCCTATGGC[G>A]AGAAAGGCTATGGTGAGGGTGGGCAAGGACACAAGGGGAAATTCCGCAGAAGAGGGAAAA-3'
Protein context (NP_068758.3, residues 229-249): IIIPPFLAYG[Glu239Lys]KGYGTVIPPQ